The following is an entry in ClinVar:

NM_006214.4(PHYH):c.640A>T (p.Lys214Ter)

Gene: PHYH (phytanoyl-CoA 2-hydroxylase; minus strand). Cytogenetic location: 10p13.
Variant type: single nucleotide variant.
Coding change: c.640A>T on transcript NM_006214.4 (MANE Select); coding-DNA position 640, A replaced by T.
Protein change: p.Lys214Ter; replaces lysine 214 with a stop codon.
Molecular consequence: nonsense. On other transcripts: intron variant (1).
Genome position (GRCh38, 1-based): chr10:13,288,398, T>A on the plus strand (A>T on the coding strand, the complement: PHYH is on the minus strand). VCF-style: chr10-13288398-T-A. GRCh37 (hg19) VCF-style: chr10-13330398-T-A.
Other names: c.340A>T, p.Lys114Ter (NM_001037537.2, NM_001323080.2); c.646A>T, p.Lys216Ter (NM_001323082.2); c.346A>T, p.Lys116Ter (NM_001323084.2); c.415-4559A>T (NM_001323083.2); short protein forms K114*, K116*, K214*, K216*.
Identifiers: ClinVar variation 1725332 (VCV001725332.2), dbSNP rs753115080, ClinGen allele CA376035262.

ClinVar aggregate classification (germline): Likely pathogenic (1 of 4 stars; one submission).

Conditions:
Refsum disease, classic. Also called: PHYH-Related Refsum Disease; HEREDOPATHIA ATACTICA POLYNEURITIFORMIS; HMSN IV; PHYTANIC ACID OXIDASE DEFICIENCY. Identifiers: Orphanet 773, MedGen C5780941, MONDO:1060256, OMIM 266500. Disease mechanism: loss of function.

Submission:

Myriad Genetics, Inc.
Classification: Likely pathogenic for Refsum disease, classic. Last evaluated: 2022-03-17. Review status: criteria provided, single submitter. Criteria: Myriad Women's Health Autosomal Recessive and X-Linked Classification Criteria (2021). Collection method: clinical testing. Allele origin: unknown.
Comment: NM_006214.3(PHYH):c.640A>T(K214*) is expected to be pathogenic in the context of PHYH-related refsum disease. This variant is predicted to lead to an abnormal or absent protein product due to the creation of a premature termination codon in PHYH, a gene where loss-of-function variants are known to be pathogenic. Please note: this variant was assessed in the context of healthy population screening.